The following is an entry in ClinVar:

ClinVar aggregate classification (germline): Uncertain significance (1 of 4 stars; one submission).

Conditions:
Inborn genetic diseases. Identifiers: MedGen C0950123, MeSH D030342.

Allele frequency attached by ClinVar (database versions not stated): gnomAD 0.00003; gnomAD exomes 0.00003; ExAC 0.00008; TOPMed 0.00009.
gnomAD v4.1: 43 of 1,614,112 alleles (0.0027%); highest among the groups gnomAD compares: Admixed American, 0.06%; no homozygotes.

Submission:

Ambry Genetics
Classification: Uncertain significance for Inborn genetic diseases. Last evaluated: 2024-12-04. Review status: criteria provided, single submitter. Criteria: Ambry Variant Classification Scheme 2023. Collection method: clinical testing. Allele origin: germline.
Comment: The c.4177T>C (p.W1393R) alteration is located in exon 37 (coding exon 37) of the NUP188 gene. This alteration results from a T to C substitution at nucleotide position 4177, causing the tryptophan (W) at amino acid position 1393 to be replaced by an arginine (R). The in silico prediction for the p.W1393R alteration is inconclusive. Based on insufficient or conflicting evidence, the clinical significance of this alteration remains unclear.

NM_015354.3(NUP188):c.4177T>C (p.Trp1393Arg)

Gene: NUP188 (nucleoporin 188; plus strand). Cytogenetic location: 9q34.11.
Variant type: single nucleotide variant.
Coding change: c.4177T>C on transcript NM_015354.3 (MANE Select); coding-DNA position 4177, T replaced by C.
Protein change: p.Trp1393Arg; replaces tryptophan 1393 with arginine.
Molecular consequence: missense variant.
Genome position (GRCh38, 1-based): chr9:129,002,856, T>C. VCF-style: chr9-129002856-T-C. GRCh37 (hg19) VCF-style: chr9-131765135-T-C.
Other names: short protein forms W1393R.
Identifiers: ClinVar variation 2360262 (VCV002360262.3), dbSNP rs757338632, ClinGen allele CA5273235.